The following is an entry in ClinVar:

ClinVar aggregate classification (germline): Pathogenic. Review status: reviewed by expert panel (3 of 4 stars). 12 submissions from 10 submitters: Pathogenic (1). 11 of the submissions do not count toward it. Last evaluated 2026-10-30.

Conditions:
Cone dystrophy 1, X-linked (COD1). Identifiers: MedGen C1844777, MONDO:0800320.
RPGR-related retinopathy. Also called: RPGR retinopathy. Identifiers: MedGen CN305589, MONDO:0100437.
RPGR-related disorder. Also called: RPGR-related condition.
Retinal dystrophy. Also called: Inherited retinal dystrophy. Identifiers: Orphanet 71862, MedGen C0854723, MeSH D058499, MONDO:0019118, HP:0000556.
Primary ciliary dyskinesia. Also called: Ciliary dyskinesia. Identifiers: Orphanet 244, MedGen C0008780, MONDO:0016575, HP:0012265.
X-linked cone-rod dystrophy 1 (CORDX1). Identifiers: Orphanet 1872, MedGen C1844776, MONDO:0010566, OMIM 304020.
Retinitis pigmentosa 3. Also called: CHOROIDORETINAL DEGENERATION WITH RETINAL REFLEX IN HETEROZYGOUS WOMEN. Identifiers: Orphanet 791, MedGen C1845667, MONDO:0010227, OMIM 300029.
Cone dystrophy. Identifiers: Orphanet 1871, MedGen C0730290, MONDO:0000455.

Submissions (12):

ClinGen X-linked Inherited Retinal Disease Variant Curation Expert Panel, ClinGen
Classification: Pathogenic for RPGR-related retinopathy. Last evaluated: 2026-10-30. Review status: reviewed by expert panel. Criteria: ClinGen X LinkedIRD ACMG Specifications RPGR V1.0.0. Collection method: curation. Allele origin: germline. Inheritance: X-linked inheritance.
Comment: NM_001034853.2(RPGR):c.3096_3097del (p.Glu1033ArgfsTer?) is a frameshift variant caused by a 2-nucleotide deletion, introducing a premature stop codon in exon 15 of 15, predicted to produce a truncated protein and to disrupt a critical C-terminal region required for proper glutamylation of RPGR (PVS1, PMID: 36445968). This variant is absent from hemizygous individuals in gnomAD v4.1.2 (PM2_Supporting). At least one proband harboring this variant exhibits a phenotype including family history consistent with X-linked inheritance (2 pts), childhood-onset (1 pt), a female relative shown to be mildly affected (1 pt), rod involvement greater than cone (1 pt), moderate myopia (0.5 pts), and photophobia (0.5 pts), which together are specific for RPGR-related retinopathy (6 points, PMID: 7977377, PMID: 11857109, PP4). This variant has been reported in at least 2 apparently unrelated probands meeting one of the PS4 requirements of a male with some functional vision impairment by age 30 years and/or decreased or absent electroretinogram responses, or a female with functional visual abnormality and documentation of a male relative affected with retinitis pigmentosa (PMID: 11857109, PMID: 2740082, PMID: 34745198, PS4_Supporting). The variant has been reported to segregate with retinal dystrophy through at least 4 affected meioses from at least 2 families (PP1_Strong; PMID: 11875055, 11857109). In summary, this variant is classified as Pathogenic for RPGR-related retinopathy based on the ClinGen X-linked Inherited Retinal Disease Expert Panel Specifications to the ACMG/AMP Variant Interpretation Guidelines for RPGR Version 1.0.0: PVS1, PM2_Supporting, PS4_Supporting, PP4, and PP1_Strong.

PreventionGenetics, part of Exact Sciences
Classification: Pathogenic for RPGR-related condition. Last evaluated: 2026-06-08. Review status: criteria provided, single submitter. Criteria: ACMG Guidelines, 2015. Collection method: clinical testing. Allele origin: germline. Not counted in ClinVar's aggregate classification.
Comment: The RPGR c.3096_3097delGG variant is predicted to result in a frameshift and premature protein termination (p.Glu1033Argfs*45). This variant can also be designated as g.ORF15+1343_1344del. This variant has been reported in multiple individuals with X-linked retinitis pigmentosa (XLRP; Yang et al. 2002. PubMed ID: 11875055; Demirci et al. 2002. PubMed ID: 11857109; Table S1 in Maeda et al. 2018. PubMed ID: 29785639; Tuupanen et al. 2022. PubMed ID: 34985506). This variant is absent in a large population database (gnomAD), indicating this variant is rare. Frameshift variants in exon 15 of RPGR (also known as ORF15) have been well-documented to cause X-linked retinitis pigmentosa (Shu et al. 2007. PubMed ID: 17195164). Given the evidence, we interpret this variant as pathogenic.

Labcorp Genetics (formerly Invitae), Labcorp
Classification: Pathogenic for Primary ciliary dyskinesia. Last evaluated: 2026-01-24. Review status: criteria provided, single submitter. Criteria: Invitae Variant Classification Sherloc (09022015). Collection method: clinical testing. Allele origin: germline. Not counted in ClinVar's aggregate classification.
Comment: This sequence change creates a premature translational stop signal (p.Glu1033Argfs*45) in the RPGR (ORF15) gene. While this is not anticipated to result in nonsense mediated decay, it is expected to disrupt the last 120 amino acid(s) of the RPGR (ORF15) protein. This variant is not present in population databases (gnomAD no frequency). This premature translational stop signal has been observed in individual(s) with cone dystrophy (PMID: 11875055, 29785639). This variant is also known as ORF15+1343_1344delGG. ClinVar contains an entry for this variant (Variation ID: 9910). This variant disrupts a region of the RPGR (ORF15) protein in which other variant(s) (p.Leu1130Lysfs*13) have been determined to be pathogenic (PMID: 22264887; internal data). This suggests that this is a clinically significant region of the protein, and that variants that disrupt it are likely to be disease-causing. For these reasons, this variant has been classified as Pathogenic.

Baylor Genetics
Classification: Pathogenic for X-linked cone-rod dystrophy 1. Last evaluated: 2023-10-09. Review status: criteria provided, single submitter. Criteria: ACMG Guidelines, 2015. Collection method: clinical testing. Allele origin: unknown. Not counted in ClinVar's aggregate classification.

Broad Center for Mendelian Genomics, Broad Institute of MIT and Harvard
Classification: Pathogenic for RPGR-related retinopathy. Last evaluated: 2023-05-02. Review status: criteria provided, single submitter. Criteria: ACMG Guidelines, 2015. Collection method: curation. Allele origin: germline. Inheritance: X-linked inheritance. Not counted in ClinVar's aggregate classification.
Comment: The p.Glu1033ArgfsTer45 variant in RPGR has been previously reported in 9 unrelated individuals with RPGR-related retinopathy (PMID: 14564670, PMID: 34985506, PMID: 11857109, PMID: 29785639, PMID: 11875055, ClinVar SCV000606851.1) and segregated with disease in 22 affected relatives from three families (PMID: 11857109, PMID: 11875055). The number of reported affected individuals with this variant is greater than expected compared to non-affected individuals with this variant. This variant has also been reported in ClinVar (Variation ID: 9910) and has been interpreted as pathogenic by multiple submitters. This variant was absent from large population studies. This variant is predicted to cause a frameshift, which alters the protein‚Äôs amino acid sequence beginning at position 1033 and leads to a premature termination codon 45 amino acids downstream. This termination codon occurs within the last exon and is more likely to escape nonsense mediated decay (NMD) and result in a truncated protein. Loss of function of the RPGR gene is an established disease mechanism in X-linked retinitis pigmentosa 3. In summary, this variant meets criteria to be classified as pathogenic for X-linked retinitis pigmentosa 3. ACMG/AMP Criteria applied: PVS1_Moderate, PS4, PM2_Supporting, PP1_Strong (Richards 2015).

Ocular Genomics Institute, Massachusetts Eye and Ear
Classification: Pathogenic for Retinitis pigmentosa 3. Last evaluated: 2021-04-08. Review status: criteria provided, single submitter. Criteria: ACMG Guidelines, 2015. Collection method: research. Allele origin: germline. Affected: yes. Not counted in ClinVar's aggregate classification.
Comment: Through a review of available evidence we were able to apply the following criteria: PVS1, PS1, PM2. Based on this evidence we have classified this variant as Pathogenic.

Blueprint Genetics
Classification: Pathogenic for Retinal dystrophy. Last evaluated: 2019-04-03. Review status: criteria provided, single submitter. Criteria: Blueprint Genetics Variant Classification Scheme. Collection method: clinical testing. Allele origin: germline. Affected: yes. Not counted in ClinVar's aggregate classification.

Sharon lab, Hadassah-Hebrew University Medical Center
Classification: Pathogenic for Cone dystrophy. Last evaluated: 2019-06-23. Review status: no assertion criteria provided. Collection method: research. Allele origin: inherited. Affected: yes. Not counted in ClinVar's aggregate classification.

Edmonton Ocular Genetics, Alberta Health Services
Classification: Pathogenic for X-linked cone-rod dystrophy 1. Last evaluated: 2016-03-24. Review status: no assertion criteria provided. Collection method: provider interpretation. Allele origin: maternal. Inheritance: X-linked recessive inheritance. Affected: yes. Observed: 1 variant allele, 1 hemizygote. Not counted in ClinVar's aggregate classification.
Comment: Whereas this particular mutation has been associated with cone-rod dystrophy (2 families), the same variant is present in our family with X-linked RP.

OMIM
Classification: Pathogenic for CONE-ROD DYSTROPHY, X-LINKED, 1. Last evaluated: 2002-04-01. Review status: no assertion criteria provided. Collection method: literature only. Allele origin: germline. Not counted in ClinVar's aggregate classification.

OMIM
Classification: Pathogenic for CONE DYSTROPHY, X-LINKED, 1. Last evaluated: 2002-04-01. Review status: no assertion criteria provided. Collection method: literature only. Allele origin: germline. Not counted in ClinVar's aggregate classification.

Blueprint Genetics
Classification: Pathogenic for Retinitis pigmentosa 3. Review status: no assertion criteria provided. Collection method: clinical testing. Allele origin: germline. Affected: yes. Not counted in ClinVar's aggregate classification.

Literature cited by the submitters: PubMed 11875055 (cited by Labcorp Genetics (formerly Invitae), Labcorp and OMIM); PubMed 29785639 (cited by Labcorp Genetics (formerly Invitae), Labcorp); PubMed 22264887 (cited by Labcorp Genetics (formerly Invitae), Labcorp); PubMed 11857109 (cited by Edmonton Ocular Genetics, Alberta Health Services and OMIM).

NM_001034853.2(RPGR):c.3096_3097del (p.Glu1033fs)

Gene: RPGR (retinitis pigmentosa GTPase regulator; minus strand). Cytogenetic location: Xp11.4.
Variant type: Deletion.
Coding change: c.3096_3097del on transcript NM_001034853.2 (MANE Select); coding-DNA positions 3096 to 3097, 2 bases deleted (GG; older notation c.3096_3097delGG).
Protein change: p.Glu1033fs; shifts the reading frame from glutamic acid 1033.
Molecular consequence: frameshift variant. On other transcripts: intron variant (8).
Genome position (GRCh38, 1-based): chrX:38,285,902-38,285,903, CC deleted on the plus strand (GG on the coding strand, the reverse complement: RPGR is on the minus strand); deleting any 2 consecutive bases within chrX:38,285,902-38,285,906 gives the same sequence; the c. name uses the placement nearest the transcript's 3' end. VCF-style (leftmost placement, unchanged base first): chrX-38285901-TCC-T. GRCh37 (hg19) VCF-style: chrX-38145154-TCC-T.
Other names: NM_001034853.2(RPGR):c.3096_3097del; p.Glu1033fs; c.3096_3097delGG (NM_001034853.1); c.1569+5056_1569+5057del (NM_001367249.1, NM_001367250.1); c.1902+1191_1902+1192del (NM_001367245.1); c.1386+5056_1386+5057del (NM_001367251.1); c.1719+1191_1719+1192del (NM_001367246.1); c.1572+5056_1572+5057del (NM_001367247.1); and 2 more; short protein forms E1033fs.
Identifiers: ClinVar variation 9910 (VCV000009910.22), dbSNP rs606231180, ClinGen allele CA120803.